The following is an entry in ClinVar:

ClinVar aggregate classification (germline): Likely benign. Review status: criteria provided, multiple submitters, no conflicts (2 of 4 stars). 4 submissions from 4 submitters: Likely benign (4). Last evaluated 2026-02-19.

Conditions:
KMT2D-related disorder. Also called: KMT2D-Related Disorders.
Kabuki syndrome. Also called: NIIKAWA-KUROKI SYNDROME; Kabuki make-up syndrome. Identifiers: Orphanet 2322, MedGen C0796004, MONDO:0016512.

gnomAD v4.1: 19 of 1,613,816 alleles (0.0012%); highest among the groups gnomAD compares: Non-Finnish European, 0.0015%; no homozygotes.

Submissions (4):

PreventionGenetics, part of Exact Sciences
Classification: Likely benign for KMT2D-related condition. Last evaluated: 2026-02-19. Review status: criteria provided, single submitter. Criteria: ACMG Guidelines, 2015. Collection method: clinical testing. Allele origin: germline.
Comment: This variant is classified as likely benign based on ACMG/AMP sequence variant interpretation guidelines (Richards et al. 2015 PMID: 25741868, with internal and published modifications).

Labcorp Genetics (formerly Invitae), Labcorp
Classification: Likely benign for Kabuki syndrome. Last evaluated: 2025-07-30. Review status: criteria provided, single submitter. Criteria: Invitae Variant Classification Sherloc (09022015). Collection method: clinical testing. Allele origin: germline.

Blueprint Genetics
Classification: Likely benign. Last evaluated: 2024-08-06. Review status: criteria provided, single submitter. Criteria: ACMG Guidelines, 2015. Collection method: clinical testing. Allele origin: germline.

CeGaT Center for Human Genetics Tuebingen
Classification: Likely benign. Last evaluated: 2024-03-01. Review status: criteria provided, single submitter. Criteria: CeGaT Center For Human Genetics Tuebingen Variant Classification Criteria Version 2. Collection method: clinical testing. Allele origin: germline. Affected: yes. Observed: 1 variant allele.
Comment: KMT2D: PM2:Supporting, BP4, BP7

NM_003482.4(KMT2D):c.6853C>T (p.Leu2285=)

Gene: KMT2D (lysine methyltransferase 2D; minus strand). Cytogenetic location: 12q13.12.
Variant type: single nucleotide variant.
Coding change: c.6853C>T on transcript NM_003482.4 (MANE Select); coding-DNA position 6853, C replaced by T.
Protein change: p.Leu2285=; no amino-acid change (leucine 2285 retained).
Molecular consequence: synonymous variant.
Genome position (GRCh38, 1-based): chr12:49,040,917, G>A on the plus strand (C>T on the coding strand, the complement: KMT2D is on the minus strand). VCF-style: chr12-49040917-G-A. GRCh37 (hg19) VCF-style: chr12-49434700-G-A.
Identifiers: ClinVar variation 2183227 (VCV002183227.27), dbSNP rs771287738, ClinGen allele CA479711832.